The following is an entry in ClinVar:

NM_001350814.2(GRB10):c.1659G>A (p.Thr553=)

Gene: GRB10 (growth factor receptor bound protein 10; minus strand). Cytogenetic location: 7p12.1.
Variant type: single nucleotide variant.
Coding change: c.1659G>A on transcript NM_001350814.2 (MANE Select); coding-DNA position 1659, G replaced by A.
Protein change: p.Thr553=; no amino-acid change (threonine 553 retained).
Molecular consequence: synonymous variant.
Genome position (GRCh38, 1-based): chr7:50,593,078, C>T on the plus strand (G>A on the coding strand, the complement: GRB10 is on the minus strand). VCF-style: chr7-50593078-C-T. GRCh37 (hg19) VCF-style: chr7-50660775-C-T.
Other names: c.1521G>A, p.Thr507= (NM_001001549.3); c.1485G>A, p.Thr495= (NM_001001550.3, NM_001001555.3, NM_001350816.3 and 1 more transcripts); c.1773G>A, p.Thr591= (NM_001350815.2); c.1806G>A, p.Thr602= (NM_001371009.1).
Identifiers: ClinVar variation 4820930 (VCV004820930.4).
Genomic context (GRCh38, chr7:50,593,078, plus strand): 5'-AAAGTCAACCAGCTGGATCAGGTCAGAGAATTTGGTGTTCCCGTCATCTAGGCTGAAGAA[C>T]GTCTGCCCGTCGTCCTCGCACTGGAGAGACACAAGAACACTTGCCAGGTTAGAGGCTGCC-3'
Protein context (NP_001337743.1, residues 543-563): QILPCEDDGQ[Thr553=]FFSLDDGNTK

ClinVar aggregate classification (germline): Likely benign (1 of 4 stars; one submission).

gnomAD v4.1: 70 of 1,614,068 alleles (0.0043%); highest among the groups gnomAD compares: Middle Eastern, 0.049%; no homozygotes.

Submission:

CeGaT Center for Human Genetics Tuebingen
Classification: Likely benign. Last evaluated: 2026-01-01. Review status: criteria provided, single submitter. Criteria: CeGaT Center For Human Genetics Tuebingen Variant Classification Criteria Version 2. Collection method: clinical testing. Allele origin: germline. Affected: yes. Observed: 1 variant allele.
Comment: GRB10: BP4, BP7